The following is an entry in ClinVar:

NM_000263.4(NAGLU):c.2T>G (p.Met1Arg)

Genes: NAGLU (N-acetyl-alpha-glucosaminidase; plus strand), LOC130060903 (ATAC-STARR-seq lymphoblastoid silent region 8533; plus strand). Cytogenetic location: 17q21.2.
Variant type: single nucleotide variant.
Coding change: c.2T>G on transcript NM_000263.4 (MANE Select); coding-DNA position 2, T replaced by G.
Protein change: p.Met1Arg; changes the start codon (methionine 1).
Molecular consequence: missense variant, initiator codon variant.
Genome position (GRCh38, 1-based): chr17:42,536,274, T>G. VCF-style: chr17-42536274-T-G. GRCh37 (hg19) VCF-style: chr17-40688292-T-G.
Other names: short protein forms M1R.
Identifiers: ClinVar variation 2928680 (VCV002928680.3), dbSNP rs1013345784, ClinGen allele CA399594819.

ClinVar aggregate classification (germline): Pathogenic (1 of 4 stars; one submission).

Conditions:
Charcot-Marie-Tooth disease axonal type 2V. Also called: CHARCOT-MARIE-TOOTH NEUROPATHY, TYPE 2V; CHARCOT-MARIE-TOOTH DISEASE, AXONAL, AUTOSOMAL DOMINANT, TYPE 2V. Identifiers: Orphanet 447964, MedGen C5569050, MONDO:0014665, OMIM 616491.
Mucopolysaccharidosis, MPS-III-B (MPS3B). Also called: N-ACETYL-ALPHA-D-GLUCOSAMINIDASE DEFICIENCY; NAGLU DEFICIENCY; SANFILIPPO SYNDROME B; MPS III B; Mucopolysaccharidosis type IIIB (Sanfilippo B); MUCOPOLYSACCHARIDOSIS, TYPE IIIB. Identifiers: Orphanet 79270, MedGen C0086648, MONDO:0009656, OMIM 252920.

Allele frequency attached by ClinVar (database versions not stated): gnomAD 0.00001.

Submission:

Labcorp Genetics (formerly Invitae), Labcorp
Classification: Pathogenic for Charcot-Marie-Tooth disease axonal type 2V; Mucopolysaccharidosis, MPS-III-B. Last evaluated: 2023-05-01. Review status: criteria provided, single submitter. Criteria: Invitae Variant Classification Sherloc (09022015). Collection method: clinical testing. Allele origin: germline.
Comment: This variant is present in population databases (no rsID available, gnomAD 0.02%). For these reasons, this variant has been classified as Pathogenic. Disruption of the initiator codon has been observed in individual(s) with mucopolysaccharidosis type III (PMID: 9950362, 18218046). This sequence change affects the initiator methionine of the NAGLU mRNA. The next in-frame methionine is located at codon 157.

Literature cited by the submitters: PubMed 9950362; PubMed 18218046.